The following is an entry in ClinVar:

NM_206933.4(USH2A):c.6923C>A (p.Ala2308Glu)

Gene: USH2A (usherin; minus strand). Cytogenetic location: 1q41.
Variant type: single nucleotide variant.
Coding change: c.6923C>A on transcript NM_206933.4 (MANE Select); coding-DNA position 6923, C replaced by A.
Protein change: p.Ala2308Glu; replaces alanine 2308 with glutamic acid.
Molecular consequence: missense variant.
Genome position (GRCh38, 1-based): chr1:215,970,659, G>T on the plus strand (C>A on the coding strand, the complement: USH2A is on the minus strand). VCF-style: chr1-215970659-G-T. GRCh37 (hg19) VCF-style: chr1-216144001-G-T.
Other names: short protein forms A2308E.
Identifiers: ClinVar variation 2202954 (VCV002202954.5), dbSNP rs1327563775, ClinGen allele CA344853970.

ClinVar aggregate classification (germline): Uncertain significance. Review status: criteria provided, multiple submitters, no conflicts (2 of 4 stars). 2 submissions from 2 submitters: Uncertain significance (2). Last evaluated 2024-07-12.

Allele frequency attached by ClinVar (database versions not stated): gnomAD exomes below 0.00001.
gnomAD v4.1: 1 of 1,613,682 alleles (0.000062%); highest among the groups gnomAD compares: East Asian, 0.0022%; no homozygotes.

Submissions (2):

Labcorp Genetics (formerly Invitae), Labcorp
Classification: Uncertain significance. Last evaluated: 2024-07-12. Review status: criteria provided, single submitter. Criteria: Invitae Variant Classification Sherloc (09022015). Collection method: clinical testing. Allele origin: germline.
Comment: This sequence change replaces alanine, which is neutral and non-polar, with glutamic acid, which is acidic and polar, at codon 2308 of the USH2A protein (p.Ala2308Glu). This variant is present in population databases (no rsID available, gnomAD 0.006%). This missense change has been observed in individual(s) with clinical features of retinitis pigmentosa (PMID: 24938718, 32675063). ClinVar contains an entry for this variant (Variation ID: 2202954). Advanced modeling of protein sequence and biophysical properties (such as structural, functional, and spatial information, amino acid conservation, physicochemical variation, residue mobility, and thermodynamic stability) performed at Invitae indicates that this missense variant is expected to disrupt USH2A protein function with a positive predictive value of 95%. In summary, the available evidence is currently insufficient to determine the role of this variant in disease. Therefore, it has been classified as a Variant of Uncertain Significance.

Blueprint Genetics
Classification: Uncertain significance. Last evaluated: 2020-06-12. Review status: criteria provided, single submitter. Criteria: ACMG Guidelines, 2015. Collection method: clinical testing. Allele origin: germline.

Literature cited by the submitters: PubMed 24938718 (cited by Labcorp Genetics (formerly Invitae), Labcorp); PubMed 32675063 (cited by Labcorp Genetics (formerly Invitae), Labcorp).